The following is an entry in ClinVar:

NM_015589.6(SAMD4A):c.2022C>T (p.Asn674=)

Gene: SAMD4A (sterile alpha motif domain containing 4A; plus strand). Cytogenetic location: 14q22.2.
Variant type: single nucleotide variant.
Coding change: c.2022C>T on transcript NM_015589.6 (MANE Select); coding-DNA position 2022, C replaced by T.
Protein change: p.Asn674=; no amino-acid change (asparagine 674 retained).
Molecular consequence: synonymous variant.
Genome position (GRCh38, 1-based): chr14:54,776,518, C>T. VCF-style: chr14-54776518-C-T. GRCh37 (hg19) VCF-style: chr14-55243236-C-T.
Other names: c.1758C>T, p.Asn586= (NM_001161576.2); c.795C>T, p.Asn265= (NM_001161577.2).
Identifiers: ClinVar variation 731025 (VCV000731025.27), dbSNP rs143254208, ClinGen allele CA7193317.
Genomic context (GRCh38, chr14:54,776,518, plus strand): 5'-CCGCACCCACAGCTCAGTCCAGAGGACCCGCTCGCTGCCCGTGCACACTTCCCCACAGAA[C>T]ATGCTGATGTTCCAGCAGCCAGGTAGGGCCCGGCGCTTCATGTCCCCTTGACACAGAGGG-3'
Protein context (NP_056404.4, residues 664-684): RSLPVHTSPQ[Asn674=]MLMFQQPEFQ

ClinVar aggregate classification (germline): Benign/Likely benign. Review status: criteria provided, multiple submitters, no conflicts (2 of 4 stars). 2 submissions from 2 submitters: Benign (1); Likely benign (1). Last evaluated 2022-05-01.

Allele frequency attached by ClinVar (database versions not stated): gnomAD 0.00104 and 0.00112; 1000 Genomes Project 30x 0.00109; TOPMed 0.00116; 1000 Genomes Project 0.00120; ExAC 0.00143; gnomAD exomes 0.00145 and 0.00219; ESP Exome Variant Server 0.00161.
gnomAD v4.1: 3,240 of 1,577,786 alleles (0.21%); highest among the groups gnomAD compares: Non-Finnish European, 0.24%; 6 homozygotes.

Submissions (2):

CeGaT Center for Human Genetics Tuebingen
Classification: Likely benign. Last evaluated: 2022-05-01. Review status: criteria provided, single submitter. Criteria: CeGaT Center For Human Genetics Tuebingen Variant Classification Criteria Version 2. Collection method: clinical testing. Allele origin: germline. Affected: yes. Observed: 1 variant allele.
Comment: SAMD4A: BP4, BP7

Labcorp Genetics (formerly Invitae), Labcorp
Classification: Benign. Last evaluated: 2018-03-28. Review status: criteria provided, single submitter. Criteria: Invitae Variant Classification Sherloc (09022015). Collection method: clinical testing. Allele origin: germline.